The following is an entry in ClinVar:

NM_000203.5(IDUA):c.129del (p.Arg44fs)

Genes: IDUA (alpha-L-iduronidase; plus strand), SLC26A1 (solute carrier family 26 member 1; minus strand). Cytogenetic location: 4p16.3.
Variant type: Deletion.
Coding change: c.129del on transcript NM_000203.5 (MANE Select); coding-DNA position 129, one base deleted (G; older notation c.129delG).
Protein change: p.Arg44fs; shifts the reading frame from arginine 44.
Molecular consequence: frameshift variant. On other transcripts: non-coding transcript variant (1), intron variant (1).
Genome position (GRCh38, 1-based): chr4:987,213, G deleted. VCF-style (leftmost placement, unchanged base first): chr4-987212-TG-T. GRCh37 (hg19) VCF-style: chr4-981000-TG-T.
Other names: c.576+3915del (NM_134425.4); short protein forms R44fs.
Identifiers: ClinVar variation 4817920 (VCV004817920.1).

ClinVar aggregate classification (germline): Likely pathogenic (1 of 4 stars; one submission).

Conditions:
Mucopolysaccharidosis type 1. Also called: IDUA deficiency; MPS I; Mucopolysaccharidosis Type I. Identifiers: Orphanet 579, MedGen C0023786, MONDO:0001586.

Submission:

Natera, Inc.
Classification: Likely pathogenic for Mucopolysaccharidosis type I. Last evaluated: 2024-09-16. Review status: criteria provided, single submitter. Criteria: Natera Variant Classification Schema (03/2026). Collection method: clinical testing. Allele origin: germline.
Comment: The c.129del variant in IDUA is a frameshift variant predicted to shift the reading frame beginning at codon 44 and leads to a stop codon 64 codons downstream. This variant is expected to result in nonsense mediated decay, truncation, or a dysfunctional protein product. This variant is rare in the general population with a frequency below the threshold expected for the associated phenotype(s). Given the available evidence, this variant is classified as Likely Pathogenic.